The following is an entry in ClinVar:

NM_001077365.2(POMT1):c.1361T>G (p.Leu454Ter)

Gene: POMT1 (protein O-mannosyltransferase 1; plus strand). Cytogenetic location: 9q34.13.
Variant type: single nucleotide variant.
Coding change: c.1361T>G on transcript NM_001077365.2 (MANE Select); coding-DNA position 1361, T replaced by G.
Protein change: p.Leu454Ter; replaces leucine 454 with a stop codon.
Molecular consequence: nonsense. On other transcripts: non-coding transcript variant (10).
Genome position (GRCh38, 1-based): chr9:131,518,533, T>G. VCF-style: chr9-131518533-T-G. GRCh37 (hg19) VCF-style: chr9-134393920-T-G.
Other names: c.1199T>G, p.Leu400Ter (NM_001077366.2, NM_001353194.2); c.1361T>G, p.Leu454Ter (NM_001136113.2, NM_001374690.1); c.1010T>G, p.Leu337Ter (NM_001136114.2, NM_001353195.2, NM_001374691.1 and 2 more transcripts); c.1427T>G, p.Leu476Ter (NM_001353193.2, NM_007171.4); c.1271T>G, p.Leu424Ter (NM_001353196.2); c.1265T>G, p.Leu422Ter (NM_001353197.2, NM_001353198.2); c.1076T>G, p.Leu359Ter (NM_001353199.2); c.905T>G, p.Leu302Ter (NM_001353200.2); and 2 more; short protein forms L476*, L302*, L400*, L454*, L424*, L337*, L359*, L422*.
Identifiers: ClinVar variation 471374 (VCV000471374.8), dbSNP rs1554780670, ClinGen allele CA375311567.

ClinVar aggregate classification (germline): Pathogenic/Likely pathogenic. Review status: criteria provided, multiple submitters, no conflicts (2 of 4 stars). 2 submissions from 2 submitters: Pathogenic (1); Likely pathogenic (1). Last evaluated 2024-02-23.

Conditions:
Autosomal recessive limb-girdle muscular dystrophy type 2K. Also called: MUSCULAR DYSTROPHY-DYSTROGLYCANOPATHY (LIMB-GIRDLE), TYPE C, 1; MUSCULAR DYSTROPHY, LIMB-GIRDLE, TYPE 2K. Identifiers: Orphanet 86812, MedGen C1836373, MONDO:0012248, OMIM 609308.
Muscular dystrophy-dystroglycanopathy (congenital with impaired intellectual development), type B, 1. Also called: Muscular dystrophy-dystroglycanopathy (congenital with intellectual disability), type B1; MUSCULAR DYSTROPHY, CONGENITAL, POMT1-RELATED. Identifiers: MedGen C5436962, MONDO:0013159, OMIM 613155.
Walker-Warburg congenital muscular dystrophy. Also called: Muscular dystrophy-dystroglycanopathy, type A; Walker-Warburg syndrome. Identifiers: Orphanet 899, MedGen C0265221, MONDO:0000171.
Muscular dystrophy-dystroglycanopathy (congenital with brain and eye anomalies), type A1 (MDDGA1). Also called: COD-MD SYNDROME; Muscular dystrophy-dystroglycanopathy (congenital with brain and eye anomalies), type A, 1; WALKER-WARBURG SYNDROME OR MUSCLE-EYE-BRAIN DISEASE, POMT1-RELATED; Hydrocephalus, agyria and retinal dysplasia; Hard +/- E syndrome; Warburg syndrome. Identifiers: Orphanet 588, Orphanet 899, MedGen C4284790, MONDO:0009364, OMIM 236670.

Submissions (2):

Labcorp Genetics (formerly Invitae), Labcorp
Classification: Pathogenic for Muscular dystrophy-dystroglycanopathy (congenital with impaired intellectual development), type B, 1; Walker-Warburg congenital muscular dystrophy; Autosomal recessive limb-girdle muscular dystrophy type 2K. Last evaluated: 2024-02-23. Review status: criteria provided, single submitter. Criteria: Invitae Variant Classification Sherloc (09022015). Collection method: clinical testing. Allele origin: germline.
Comment: This sequence change creates a premature translational stop signal (p.Leu476*) in the POMT1 gene. It is expected to result in an absent or disrupted protein product. Loss-of-function variants in POMT1 are known to be pathogenic (PMID: 12369018, 15637732, 16575835). This variant is not present in population databases (gnomAD no frequency). This variant has not been reported in the literature in individuals affected with POMT1-related conditions. ClinVar contains an entry for this variant (Variation ID: 471374). For these reasons, this variant has been classified as Pathogenic.

Baylor Genetics
Classification: Likely pathogenic for Muscular dystrophy-dystroglycanopathy (congenital with brain and eye anomalies), type A1. Last evaluated: 2022-07-13. Review status: criteria provided, single submitter. Criteria: ACMG Guidelines, 2015. Collection method: clinical testing. Allele origin: unknown.

Literature cited by the submitters: PubMed 12369018 (cited by Labcorp Genetics (formerly Invitae), Labcorp); PubMed 15637732 (cited by Labcorp Genetics (formerly Invitae), Labcorp); PubMed 16575835 (cited by Labcorp Genetics (formerly Invitae), Labcorp).